The following is an entry in ClinVar:

ClinVar aggregate classification (germline): Conflicting classifications of pathogenicity. Review status: criteria provided, conflicting classifications (1 of 4 stars). 8 submissions from 8 submitters: Uncertain significance (1); Benign (4); Likely benign (3). Last evaluated 2026-01-09.

Conditions:
Inborn genetic diseases. Identifiers: MedGen C0950123, MeSH D030342.
Developmental and epileptic encephalopathy, 42 (DEE42A). Also called: DEVELOPMENTAL AND EPILEPTIC ENCEPHALOPATHY 42A; EPILEPTIC ENCEPHALOPATHY, EARLY INFANTILE, 42A; Epileptic encephalopathy, early infantile, 42. Identifiers: MedGen C4310716, MONDO:0014917, OMIM 617106.
Episodic ataxia type 2 (EA2). Also called: ATAXIA, EPISODIC, WITH NYSTAGMUS; ATAXIA, FAMILIAL PAROXYSMAL; CEREBELLAR ATAXIA, PAROXYSMAL, ACETAZOLAMIDE-RESPONSIVE; CEREBELLOPATHY, HEREDITARY PAROXYSMAL; EPISODIC ATAXIA, NYSTAGMUS-ASSOCIATED; ACETAZOLAMIDE-RESPONSIVE HEREDITARY PAROXYSMAL CEREBELLAR ATAXIA. Identifiers: Orphanet 97, MedGen C1720416, MONDO:0007163, OMIM 108500.
CACNA1A-related disorder. Also called: CACNA1A-related condition.

Allele frequency attached by ClinVar (database versions not stated): gnomAD exomes 0.00017; ExAC 0.00021; 1000 Genomes Project 30x 0.00031; TOPMed 0.00068; gnomAD 0.00069 and 0.00074; ESP Exome Variant Server 0.00083.
gnomAD v4.1: 220 of 1,580,726 alleles (0.014%); highest among the groups gnomAD compares: African/African-American, 0.24%; 1 homozygote.

Submissions (8):

Labcorp Genetics (formerly Invitae), Labcorp
Classification: Likely benign for Developmental and epileptic encephalopathy, 42; Episodic ataxia type 2. Last evaluated: 2026-01-09. Review status: criteria provided, single submitter. Criteria: Invitae Variant Classification Sherloc (09022015). Collection method: clinical testing. Allele origin: germline.

PreventionGenetics, part of Exact Sciences
Classification: Likely benign for CACNA1A-related condition. Last evaluated: 2025-08-12. Review status: criteria provided, single submitter. Criteria: ACMG Guidelines, 2015. Collection method: clinical testing. Allele origin: germline.
Comment: This variant is classified as likely benign based on ACMG/AMP sequence variant interpretation guidelines (Richards et al. 2015 PMID: 25741868, with internal and published modifications).

Mayo Clinic Laboratories, Mayo Clinic
Classification: Benign. Last evaluated: 2024-11-22. Review status: criteria provided, single submitter. Criteria: ACMG Guidelines, 2015. Collection method: clinical testing. Allele origin: germline. Observed: 1 variant allele.
Comment: BS1, BS2, BP4

Athena Diagnostics
Classification: Benign. Last evaluated: 2023-09-27. Review status: criteria provided, single submitter. Criteria: Athena Diagnostics Criteria. Collection method: clinical testing. Allele origin: unknown.

CeGaT Center for Human Genetics Tuebingen
Classification: Benign. Last evaluated: 2022-10-01. Review status: criteria provided, single submitter. Criteria: CeGaT Center For Human Genetics Tuebingen Variant Classification Criteria Version 2. Collection method: clinical testing. Allele origin: germline. Affected: yes. Observed: 2 variant alleles.
Comment: CACNA1A: BS1, BS2

GeneDx
Classification: Benign. Last evaluated: 2020-02-03. Review status: criteria provided, single submitter. Criteria: GeneDx Variant Classification Process June 2021. Collection method: clinical testing. Allele origin: germline. Affected: yes.

Ambry Genetics
Classification: Likely benign for Inborn genetic diseases. Last evaluated: 2018-04-25. Review status: criteria provided, single submitter. Criteria: Ambry Variant Classification Scheme 2023. Collection method: clinical testing. Allele origin: germline.

Eurofins Ntd Llc (ga)
Classification: Uncertain significance. Last evaluated: 2016-09-09. Review status: criteria provided, single submitter. Criteria: EGL Classification Definitions 2015. Collection method: clinical testing. Allele origin: germline. Observed: 1 variant allele, 1 heterozygote.

NM_001127222.2(CACNA1A):c.3355G>A (p.Ala1119Thr)

Gene: CACNA1A (calcium voltage-gated channel subunit alpha1 A; minus strand). Cytogenetic location: 19p13.13.
Variant type: single nucleotide variant.
Coding change: c.3355G>A on transcript NM_001127222.2 (MANE Select); coding-DNA position 3355, G replaced by A.
Protein change: p.Ala1119Thr; replaces alanine 1119 with threonine.
Molecular consequence: missense variant.
Genome position (GRCh38, 1-based): chr19:13,286,701, C>T on the plus strand (G>A on the coding strand, the complement: CACNA1A is on the minus strand). VCF-style: chr19-13286701-C-T. GRCh37 (hg19) VCF-style: chr19-13397515-C-T.
Other names: p.Ala1120Thr; c.3367G>A, p.Ala1123Thr (NM_000068.4, NM_023035.3); c.3358G>A, p.Ala1120Thr (NM_001127221.2, NM_001174080.2); c.3358G>A (NM_000068.2); c.3355G>A (NM_001127222.1); short protein forms A1120T, A1119T, A1123T.
Identifiers: ClinVar variation 265064 (VCV000265064.53), dbSNP rs199745070, ClinGen allele CA9240354.
Genomic context (GRCh38, chr19:13,286,701, plus strand): 5'-TCTTGGGGGGGCCGGGATTGGATGGGTTCCCCGGGTTGTTGGGCGTCCGGCGGCTGGCGG[C>T]GTTCTGGGGGTTGGTGGCCATGGCAGGGATGGCCAGCATGGGGCCGGGGTCGGTGCTGTT-3'
Protein context (NP_001120694.1, residues 1109-1129): IPAMATNPQN[Ala1119Thr]ASRRTPNNPG